The following is an entry in ClinVar:

ClinVar aggregate classification (germline): Uncertain significance. Review status: criteria provided, multiple submitters, no conflicts (2 of 4 stars). 2 submissions from 2 submitters: Uncertain significance (2). Last evaluated 2024-12-22.

Conditions:
Mitochondrial complex II deficiency, nuclear type 1. Also called: SUCCINATE CoQ REDUCTASE DEFICIENCY. Identifiers: Orphanet 3208, MedGen C5700310, MONDO:0100294, OMIM 252011.
Pheochromocytoma/paraganglioma syndrome 5. Also called: Paragangliomas 5; SDHA-Related Hereditary Paraganglioma-Pheochromocytoma Syndrome. Identifiers: Orphanet 29072, MedGen C3279992, MONDO:0013602, OMIM 614165.
Hereditary cancer-predisposing syndrome. Also called: Hereditary Cancer Syndrome; Hereditary neoplastic syndrome; Neoplastic Syndromes, Hereditary; Tumor predisposition. Identifiers: Orphanet 140162, MedGen C0027672, MeSH D009386, MONDO:0015356.

gnomAD v4.1: 5 of 1,614,222 alleles (0.00031%); highest among the groups gnomAD compares: Non-Finnish European, 0.00042%; no homozygotes.

Submissions (2):

Ambry Genetics
Classification: Uncertain significance for Hereditary cancer-predisposing syndrome. Last evaluated: 2024-12-22. Review status: criteria provided, single submitter. Criteria: Ambry Variant Classification Scheme 2023. Collection method: clinical testing. Allele origin: germline.
Comment: The p.E328K variant (also known as c.982G>A), located in coding exon 8 of the SDHA gene, results from a G to A substitution at nucleotide position 982. The glutamic acid at codon 328 is replaced by lysine, an amino acid with similar properties. This amino acid position is conserved. In addition, the in silico prediction for this alteration is inconclusive. Since supporting evidence is limited at this time, the clinical significance of this alteration remains unclear.

Labcorp Genetics (formerly Invitae), Labcorp
Classification: Uncertain significance for Pheochromocytoma/paraganglioma syndrome 5; Mitochondrial complex II deficiency, nuclear type 1. Last evaluated: 2024-10-30. Review status: criteria provided, single submitter. Criteria: Invitae Variant Classification Sherloc (09022015). Collection method: clinical testing. Allele origin: germline.
Comment: This sequence change replaces glutamic acid, which is acidic and polar, with lysine, which is basic and polar, at codon 328 of the SDHA protein (p.Glu328Lys). This variant is present in population databases (rs778297896, gnomAD 0.002%). This variant has not been reported in the literature in individuals affected with SDHA-related conditions. ClinVar contains an entry for this variant (Variation ID: 1768341). Invitae Evidence Modeling of protein sequence and biophysical properties (such as structural, functional, and spatial information, amino acid conservation, physicochemical variation, residue mobility, and thermodynamic stability) indicates that this missense variant is not expected to disrupt SDHA protein function with a negative predictive value of 95%. In summary, the available evidence is currently insufficient to determine the role of this variant in disease. Therefore, it has been classified as a Variant of Uncertain Significance.

NM_004168.4(SDHA):c.982G>A (p.Glu328Lys)

Gene: SDHA (succinate dehydrogenase complex flavoprotein subunit A; plus strand). Cytogenetic location: 5p15.33.
Variant type: single nucleotide variant.
Coding change: c.982G>A on transcript NM_004168.4 (MANE Select); coding-DNA position 982, G replaced by A.
Protein change: p.Glu328Lys; replaces glutamic acid 328 with lysine.
Molecular consequence: missense variant.
Genome position (GRCh38, 1-based): chr5:233,563, G>A. VCF-style: chr5-233563-G-A. GRCh37 (hg19) VCF-style: chr5-233678-G-A.
Other names: c.838G>A, p.Glu280Lys (NM_001294332.2); c.982G>A, p.Glu328Lys (NM_001330758.2); short protein forms E280K, E328K.
Identifiers: ClinVar variation 1768341 (VCV001768341.5), dbSNP rs778297896, ClinGen allele CA3173051.